The following is an entry in ClinVar:

NM_004006.3(DMD):c.8268T>G (p.Asp2756Glu)

Gene: DMD (dystrophin; minus strand). Cytogenetic location: Xp21.1.
Variant type: single nucleotide variant.
Coding change: c.8268T>G on transcript NM_004006.3 (MANE Select); coding-DNA position 8268, T replaced by G.
Protein change: p.Asp2756Glu; replaces aspartic acid 2756 with glutamic acid.
Molecular consequence: missense variant.
Genome position (GRCh38, 1-based): chrX:31,507,403, A>C on the plus strand (T>G on the coding strand, the complement: DMD is on the minus strand). VCF-style: chrX-31507403-A-C. GRCh37 (hg19) VCF-style: chrX-31525520-A-C.
Other names: c.8244T>G, p.Asp2748Glu (NM_000109.4); c.8256T>G, p.Asp2752Glu (NM_004009.3); c.7899T>G, p.Asp2633Glu (NM_004010.3); c.4245T>G, p.Asp1415Glu (NM_004011.4); c.4236T>G, p.Asp1412Glu (NM_004012.4); c.888T>G, p.Asp296Glu (NM_004013.3, NM_004020.4, NM_004021.3 and 2 more transcripts); c.81T>G, p.Asp27Glu (NM_004014.3); short protein forms D1412E, D2748E, D2756E, D2633E, D2752E, D27E, D296E, D1415E.
Identifiers: ClinVar variation 1392249 (VCV001392249.6), dbSNP rs2147177290, ClinGen allele CA412656338.
Genomic context (GRCh38, chrX:31,507,403, plus strand): 5'-TTGTAACAGGACTGCATCATCGGAACCTTCCAGGGATCTCAGGATTTTTTGGCTGTTTTC[A>C]TCCAGGTTGTGATAAACATCTGTGTGAGCTTCAATTTCACCTTGGAGGTCCTACAGGACA-3'
Protein context (NP_003997.2, residues 2746-2766): EAHTDVYHNL[Asp2756Glu]ENSQKILRSL

ClinVar aggregate classification (germline): Uncertain significance (1 of 4 stars; one submission).

Conditions:
Duchenne muscular dystrophy (DMD). Also called: MUSCULAR DYSTROPHY, PSEUDOHYPERTROPHIC PROGRESSIVE, DUCHENNE TYPE; Duchenne Muscular Dystrophy (DMD). Identifiers: Orphanet 98896, MedGen C0013264, MONDO:0010679, OMIM 310200.

Submission:

Labcorp Genetics (formerly Invitae), Labcorp
Classification: Uncertain significance for Duchenne muscular dystrophy. Last evaluated: 2021-11-09. Review status: criteria provided, single submitter. Criteria: Invitae Variant Classification Sherloc (09022015). Collection method: clinical testing. Allele origin: germline.
Comment: In summary, the available evidence is currently insufficient to determine the role of this variant in disease. Therefore, it has been classified as a Variant of Uncertain Significance. Algorithms developed to predict the effect of missense changes on protein structure and function (SIFT, PolyPhen-2, Align-GVGD) all suggest that this variant is likely to be disruptive. This variant has not been reported in the literature in individuals affected with DMD-related conditions. This variant is not present in population databases (gnomAD no frequency). This sequence change replaces aspartic acid, which is acidic and polar, with glutamic acid, which is acidic and polar, at codon 2756 of the DMD protein (p.Asp2756Glu).